The following is an entry in ClinVar:

ClinVar aggregate classification (germline): Uncertain significance (1 of 4 stars; one submission).

Allele frequency attached by ClinVar (database versions not stated): gnomAD 0.00001.
gnomAD v4.1: 4 of 1,612,908 alleles (0.00025%); highest among the groups gnomAD compares: East Asian, 0.0045%; no homozygotes.

Submission:

Women's Health and Genetics/Laboratory Corporation of America, LabCorp
Classification: Uncertain significance. Last evaluated: 2024-01-17. Review status: criteria provided, single submitter. Criteria: LabCorp Variant Classification Summary - May 2015. Collection method: clinical testing. Allele origin: germline.
Comment: Variant summary: MME c.1557A>C (p.Gln519His) results in a non-conservative amino acid change in the encoded protein sequence. Three of five in-silico tools predict a damaging effect of the variant on protein function. The variant was absent in 250836 control chromosomes (gnomAD). The available data on variant occurrences in the general population are insufficient to allow any conclusion about variant significance. To our knowledge, no occurrence of c.1557A>C in individuals affected with Charcot-Marie Disease Axonal Type 2T and no experimental evidence demonstrating its impact on protein function have been reported. No submitters have cited clinical-significance assessments for this variant to ClinVar. Based on the evidence outlined above, the variant was classified as uncertain significance.

NM_007289.4(MME):c.1557A>C (p.Gln519His)

Gene: MME (membrane metalloendopeptidase; plus strand). Cytogenetic location: 3q25.2.
Variant type: single nucleotide variant.
Coding change: c.1557A>C on transcript NM_007289.4 (MANE Select); coding-DNA position 1557, A replaced by C.
Protein change: p.Gln519His; replaces glutamine 519 with histidine.
Molecular consequence: missense variant.
Genome position (GRCh38, 1-based): chr3:155,148,609, A>C. VCF-style: chr3-155148609-A-C. GRCh37 (hg19) VCF-style: chr3-154866398-A-C.
Other names: c.1557A>C, p.Gln519His (NM_000902.5, NM_001354642.2, NM_001354643.1 and 2 more transcripts); short protein forms Q519H.
Identifiers: ClinVar variation 3063958 (VCV003063958.1), dbSNP rs1285064144, ClinGen allele CA355131114.